The following is an entry in ClinVar:

ClinVar aggregate classification (germline): Uncertain significance (1 of 4 stars; one submission).

Submission:

Labcorp Genetics (formerly Invitae), Labcorp
Classification: Uncertain significance. Last evaluated: 2025-11-04. Review status: criteria provided, single submitter. Criteria: Invitae Variant Classification Sherloc (09022015). Collection method: clinical testing. Allele origin: germline.
Comment: This sequence change falls in intron 3 of the POLE2 gene. It does not directly change the encoded amino acid sequence of the POLE2 protein. It affects a nucleotide within the consensus splice site. This variant is not present in population databases (gnomAD no frequency). This variant has not been reported in the literature in individuals affected with POLE2-related conditions. Variants that disrupt the consensus splice site are a relatively common cause of aberrant splicing (PMID: 17576681, 9536098). Algorithms developed to predict the effect of sequence changes on RNA splicing suggest that this variant may disrupt the consensus splice site. In summary, the available evidence is currently insufficient to determine the role of this variant in disease. Therefore, it has been classified as a Variant of Uncertain Significance.

Literature cited by the submitters: PubMed 17576681; PubMed 9536098.

NM_002692.4(POLE2):c.245+5G>A

Gene: POLE2 (DNA polymerase epsilon 2, accessory subunit; minus strand). Cytogenetic location: 14q21.3.
Variant type: single nucleotide variant.
Coding change: c.245+5G>A on transcript NM_002692.4 (MANE Select); 5 bases into the intron after coding-DNA position 245, G replaced by A.
Molecular consequence: intron variant. On other transcripts: splice donor variant (1).
Genome position (GRCh38, 1-based): chr14:49,679,720, C>T on the plus strand (G>A on the coding strand, the complement: POLE2 is on the minus strand). VCF-style: chr14-49679720-C-T. GRCh37 (hg19) VCF-style: chr14-50146438-C-T.
Other names: c.245+5G>A (NM_001197330.2, NM_001348384.2, NM_001197331.3); c.14+1G>A (NM_001348385.2).
Identifiers: ClinVar variation 4797315 (VCV004797315.1).